The following is an entry in ClinVar:

NM_000081.4(LYST):c.2870T>C (p.Met957Thr)

Gene: LYST (lysosomal trafficking regulator; minus strand). Cytogenetic location: 1q42.3.
Variant type: single nucleotide variant.
Coding change: c.2870T>C on transcript NM_000081.4 (MANE Select); coding-DNA position 2870, T replaced by C.
Protein change: p.Met957Thr; replaces methionine 957 with threonine.
Molecular consequence: missense variant.
Genome position (GRCh38, 1-based): chr1:235,806,266, A>G on the plus strand (T>C on the coding strand, the complement: LYST is on the minus strand). VCF-style: chr1-235806266-A-G. GRCh37 (hg19) VCF-style: chr1-235969566-A-G.
Other names: c.2870T>C, p.Met957Thr (NM_001301365.1); c.2870T>C (NM_000081.2); short protein forms M957T.
Identifiers: ClinVar variation 296413 (VCV000296413.19), dbSNP rs201554916, ClinGen allele CA1467191.

ClinVar aggregate classification (germline): Uncertain significance. Review status: criteria provided, multiple submitters, no conflicts (2 of 4 stars). 8 submissions from 8 submitters: Uncertain significance (8). Last evaluated 2025-12-04.

Conditions:
Inborn genetic diseases. Identifiers: MedGen C0950123, MeSH D030342.
Chédiak-Higashi syndrome (CHS). Also called: Chediak-Higashi Syndrome. Identifiers: Orphanet 167, MedGen C0007965, MONDO:0008963, OMIM 214500.

Allele frequency attached by ClinVar (database versions not stated): gnomAD 0.00002; ExAC 0.00004.
gnomAD v4.1: 107 of 1,613,904 alleles (0.0066%); highest among the groups gnomAD compares: Middle Eastern, 0.26%; 1 homozygote.

Submissions (8):

Ambry Genetics
Classification: Uncertain significance for Inborn genetic diseases. Last evaluated: 2025-12-04. Review status: criteria provided, single submitter. Criteria: Ambry Variant Classification Scheme 2023. Collection method: clinical testing. Allele origin: germline.

Women's Health and Genetics/Laboratory Corporation of America, LabCorp
Classification: Uncertain significance. Last evaluated: 2024-07-17. Review status: criteria provided, single submitter. Criteria: LabCorp Variant Classification Summary - May 2015. Collection method: clinical testing. Allele origin: germline.
Comment: Variant summary: LYST c.2870T>C (p.Met957Thr) results in a non-conservative amino acid change in the encoded protein sequence. Four of five in-silico tools predict a benign effect of the variant on protein function. The variant allele was found at a frequency of 4.4e-05 in 250998 control chromosomes. This frequency is not significantly higher than estimated for a pathogenic variant in LYST causing Chediak-Higashi Syndrome, allowing no conclusion about variant significance. To our knowledge, no occurrence of c.2870T>C in individuals affected with Chediak-Higashi Syndrome and no experimental evidence demonstrating its impact on protein function have been reported. ClinVar contains an entry for this variant (Variation ID: 296413). Based on the evidence outlined above, the variant was classified as uncertain significance.

Blueprint Genetics
Classification: Uncertain significance. Last evaluated: 2024-04-25. Review status: criteria provided, single submitter. Criteria: ACMG Guidelines, 2015. Collection method: clinical testing. Allele origin: germline.

Mayo Clinic Laboratories, Mayo Clinic
Classification: Uncertain significance. Last evaluated: 2023-05-02. Review status: criteria provided, single submitter. Criteria: ACMG Guidelines, 2015. Collection method: clinical testing. Allele origin: germline. Observed: 2 variant alleles.
Comment: BP4

GeneDx
Classification: Uncertain significance. Last evaluated: 2022-12-12. Review status: criteria provided, single submitter. Criteria: GeneDx Variant Classification Process June 2021. Collection method: clinical testing. Allele origin: germline. Affected: yes.
Comment: Not observed at significant frequency in large population cohorts (gnomAD); In silico analysis supports that this missense variant does not alter protein structure/function; Has not been previously published as pathogenic or benign to our knowledge

Labcorp Genetics (formerly Invitae), Labcorp
Classification: Uncertain significance for Chédiak-Higashi syndrome. Last evaluated: 2022-08-17. Review status: criteria provided, single submitter. Criteria: Invitae Variant Classification Sherloc (09022015). Collection method: clinical testing. Allele origin: germline.
Comment: This sequence change replaces methionine, which is neutral and non-polar, with threonine, which is neutral and polar, at codon 957 of the LYST protein (p.Met957Thr). This variant is present in population databases (rs201554916, gnomAD 0.008%). This variant has not been reported in the literature in individuals affected with LYST-related conditions. ClinVar contains an entry for this variant (Variation ID: 296413). Algorithms developed to predict the effect of missense changes on protein structure and function are either unavailable or do not agree on the potential impact of this missense change (SIFT: "Tolerated"; PolyPhen-2: "Possibly Damaging"; Align-GVGD: "Class C0"). In summary, the available evidence is currently insufficient to determine the role of this variant in disease. Therefore, it has been classified as a Variant of Uncertain Significance.

Fulgent Genetics
Classification: Uncertain significance for Chédiak-Higashi syndrome. Last evaluated: 2021-07-16. Review status: criteria provided, single submitter. Criteria: ACMG Guidelines, 2015. Collection method: clinical testing. Allele origin: unknown.

Illumina Laboratory Services, Illumina
Classification: Uncertain significance for Chédiak-Higashi syndrome. Last evaluated: 2018-01-13. Review status: criteria provided, single submitter. Criteria: ICSL Variant Classification Criteria 13 December 2019. Collection method: clinical testing. Allele origin: germline.